The following is an entry in ClinVar:

NM_181486.4(TBX5):c.1021C>G (p.Pro341Ala)

Gene: TBX5 (T-box transcription factor 5; minus strand). Cytogenetic location: 12q24.21.
Variant type: single nucleotide variant.
Coding change: c.1021C>G on transcript NM_181486.4 (MANE Select); coding-DNA position 1021, C replaced by G.
Protein change: p.Pro341Ala; replaces proline 341 with alanine.
Molecular consequence: missense variant.
Genome position (GRCh38, 1-based): chr12:114,356,068, G>C on the plus strand (C>G on the coding strand, the complement: TBX5 is on the minus strand). VCF-style: chr12-114356068-G-C. GRCh37 (hg19) VCF-style: chr12-114793873-G-C.
Other names: c.1021C>G, p.Pro341Ala (NM_000192.3); c.871C>G, p.Pro291Ala (NM_080717.4); short protein forms P341A, P291A.
Identifiers: ClinVar variation 2448153 (VCV002448153.4), dbSNP rs907617752, ClinGen allele CA386925962.
Genomic context (GRCh38, chr12:114,356,068, plus strand): 5'-GCTGTGGATAGCTAGAGCGGTAGAAGGAATCTTCTTCACTGGGTGATGTCTCCATGTAGG[G>C]CTTCTTATAGGGATGGTCTGTGGTGGAACATTCTTCCTCTGTGAAGACAGGAGAGACAGC-3'
Protein context (NP_852259.1, residues 331-351): CSTTDHPYKK[Pro341Ala]YMETSPSEED

ClinVar aggregate classification (germline): Uncertain significance. Review status: criteria provided, multiple submitters, no conflicts (2 of 4 stars). 2 submissions from 2 submitters: Uncertain significance (2). Last evaluated 2025-09-05.

Conditions:
Cardiovascular phenotype. Identifiers: MedGen CN230736.
Aortic valve disease 2 (AOVD2). Identifiers: MedGen C3542024, MONDO:0013902, OMIM 614823.

Allele frequency attached by ClinVar (database versions not stated): gnomAD 0.00001; TOPMed 0.00001.
gnomAD v4.1: 3 of 1,613,462 alleles (0.00019%); highest among the groups gnomAD compares: African/African-American, 0.004%; no homozygotes.

Submissions (2):

Labcorp Genetics (formerly Invitae), Labcorp
Classification: Uncertain significance for Aortic valve disease 2. Last evaluated: 2025-09-05. Review status: criteria provided, single submitter. Criteria: Invitae Variant Classification Sherloc (09022015). Collection method: clinical testing. Allele origin: germline.
Comment: This sequence change replaces proline, which is neutral and non-polar, with alanine, which is neutral and non-polar, at codon 341 of the TBX5 protein (p.Pro341Ala). This variant is not present in population databases (gnomAD no frequency). This variant has not been reported in the literature in individuals affected with TBX5-related conditions. ClinVar contains an entry for this variant (Variation ID: 2448153). Invitae Evidence Modeling of protein sequence and biophysical properties (such as structural, functional, and spatial information, amino acid conservation, physicochemical variation, residue mobility, and thermodynamic stability) indicates that this missense variant is not expected to disrupt TBX5 protein function with a negative predictive value of 80%. In summary, the available evidence is currently insufficient to determine the role of this variant in disease. Therefore, it has been classified as a Variant of Uncertain Significance.

Ambry Genetics
Classification: Uncertain significance for Cardiovascular phenotype. Last evaluated: 2024-12-12. Review status: criteria provided, single submitter. Criteria: Ambry Variant Classification Scheme 2023. Collection method: clinical testing. Allele origin: germline.